The following is an entry in ClinVar:

ClinVar aggregate classification (germline): Uncertain significance. Review status: criteria provided, multiple submitters, no conflicts (2 of 4 stars). 2 submissions from 2 submitters: Uncertain significance (2). Last evaluated 2025-03-20.

Submissions (2):

Mayo Clinic Laboratories, Mayo Clinic
Classification: Uncertain significance. Last evaluated: 2025-03-20. Review status: criteria provided, single submitter. Criteria: ACMG Guidelines, 2015. Collection method: clinical testing. Allele origin: germline. Observed: 1 variant allele.
Comment: BP4_moderate, PM2_supporting

Women's Health and Genetics/Laboratory Corporation of America, LabCorp
Classification: Uncertain significance. Last evaluated: 2024-07-02. Review status: criteria provided, single submitter. Criteria: LabCorp Variant Classification Summary - May 2015. Collection method: clinical testing. Allele origin: germline.
Comment: Variant summary: FGB c.461T>C (p.Leu154Pro) results in a non-conservative amino acid change located in the coiled coil domain (IPR012290) of the encoded protein sequence. Three of five in-silico tools predict a benign effect of the variant on protein function. The variant was absent in 251300 control chromosomes. The available data on variant occurrences in the general population are insufficient to allow any conclusion about variant significance. To our knowledge, no occurrence of c.461T>C in individuals affected with Afibrinogenemia, Congenital and no experimental evidence demonstrating its impact on protein function have been reported. No submitters have cited clinical-significance assessments for this variant to ClinVar. Based on the evidence outlined above, the variant was classified as uncertain significance.

NM_005141.5(FGB):c.461T>C (p.Leu154Pro)

Gene: FGB (fibrinogen beta chain; plus strand). Cytogenetic location: 4q31.3.
Variant type: single nucleotide variant.
Coding change: c.461T>C on transcript NM_005141.5 (MANE Select); coding-DNA position 461, T replaced by C.
Protein change: p.Leu154Pro; replaces leucine 154 with proline.
Molecular consequence: missense variant.
Genome position (GRCh38, 1-based): chr4:154,566,643, T>C. VCF-style: chr4-154566643-T-C. GRCh37 (hg19) VCF-style: chr4-155487795-T-C.
Other names: p.Leu154Pro; c.284T>C, p.Leu95Pro (NM_001184741.1); c.329T>C, p.Leu110Pro (NM_001382759.1); c.461T>C, p.Leu154Pro (NM_001382760.1, NM_001382761.1, NM_001382762.1 and 3 more transcripts); short protein forms L110P, L154P, L95P.
Identifiers: ClinVar variation 3339198 (VCV003339198.2).